The following is an entry in ClinVar:

NM_001033855.3(DCLRE1C):c.194C>T (p.Thr65Ile)

Gene: DCLRE1C (DNA cross-link repair 1C; minus strand). Cytogenetic location: 10p13.
Variant type: single nucleotide variant.
Coding change: c.194C>T on transcript NM_001033855.3 (MANE Select); coding-DNA position 194, C replaced by T.
Protein change: p.Thr65Ile; replaces threonine 65 with isoleucine.
Molecular consequence: missense variant. On other transcripts: 5 prime UTR variant (8), non-coding transcript variant (4), intron variant (1).
Genome position (GRCh38, 1-based): chr10:14,945,157, G>A on the plus strand (C>T on the coding strand, the complement: DCLRE1C is on the minus strand). VCF-style: chr10-14945157-G-A. GRCh37 (hg19) VCF-style: chr10-14987156-G-A.
Other names: NM_001033855.3(DCLRE1C):c.194C>T; p.Thr65Ile; c.-167C>T (NM_001033857.3, NM_001289077.2, NM_001350967.2); c.-489C>T (NM_001033858.3, NM_001289079.2); c.-96C>T (NM_001289078.2, NM_001350966.2, NM_022487.4); c.194C>T, p.Thr65Ile (NM_001350965.2); c.-44+3879C>T (NM_001289076.2); c.194C>T (NM_001033855.2); short protein forms T65I.
Identifiers: ClinVar variation 254217 (VCV000254217.6), dbSNP rs886037925, ClinGen allele CA10586373.

ClinVar aggregate classification (germline): Pathogenic. Review status: reviewed by expert panel (3 of 4 stars). 4 submissions from 4 submitters: Pathogenic (1). 3 of the submissions do not count toward it. Last evaluated 2023-11-14.

Conditions:
Athabaskan severe combined immunodeficiency (SCIDA). Also called: Severe combined immunodeficiency, athabascan-type. Identifiers: MedGen C1865370.
Severe combined immunodeficiency due to DCLRE1C deficiency (RS-SCID). Also called: SCID, AUTOSOMAL RECESSIVE, T CELL-NEGATIVE, B CELL-NEGATIVE, NK CELL-POSITIVE, WITH SENSITIVITY TO IONIZING RADIATION. Identifiers: Orphanet 275, MedGen C1865371, MONDO:0011225, OMIM 602450.

Allele frequency attached by ClinVar (database versions not stated): gnomAD exomes below 0.00001.

Submissions (4):

ClinGen Severe Combined Immunodeficiency Variant Curation Expert Panel, ClinGen
Classification: Pathogenic for Severe combined immunodeficiency due to DCLRE1C deficiency. Last evaluated: 2023-11-14. Review status: reviewed by expert panel. Criteria: ClinGen SCID ACMG Specifications DCLRE1C V1.0.0. Collection method: curation. Allele origin: germline. Inheritance: Autosomal recessive inheritance.
Comment: The c.194C>T(NM_001033855.3) variant in DCLRE1C is a missense variant predicted to cause substitution of Threonine by Isoleucine at amino acid 65 p.Thr65Ile. This variant is absent from gnomAD v2.1.1 (PM2_Supporting). This variant has been detected in at least 13 individuals with SCID/Lealy SCID/Omen. Of those individuals, 2 were compound heterozygous for the variant p.T577Nfs*21 (Likely Pathogenic according to the SCID VCEP specifications - confirmed in trans by family testing (PMID: 26476407, 2 pts). 10 individuals were homozygous for the variant (1 point limit was reached - PMID: 26476407) (PM3_moderate); For 1 individual (PMID: 25917813), the second allele information wasn't available. The variant has been reported to segregate with SCID in 7 affected family members from 3 families (Family A: Proband + 4; Family D: Proband + 2; Family E: Proband + 1 = 7 segregations, LOD: 4.21); PP1_Strong; PMID: 26476407). At least one patient with this variant displayed Vector-based complementation corrected increased cellular radiosensitivity and/or decreased V(D)J recombination (P1, 2 and 5, 2 pts, PMID:26476407, PP4_moderate). In summary, this variant meets the criteria to be classified as pathogenic for autosomal recessive SCID based on the ACMG/AMP criteria applied, PP4_Moderate, PP1_Strong, PM3_Strong, PM2_Supporting, as specified by the ClinGen SCID VCEP (VCEP specifications version 1).

Natera, Inc.
Classification: Pathogenic for Athabascan severe combined immunodeficiency. Last evaluated: 2025-01-14. Review status: criteria provided, single submitter. Criteria: Natera Variant Classification Schema (03/2026). Collection method: clinical testing. Allele origin: germline. Not counted in ClinVar's aggregate classification.
Comment: The c.194C>T variant in DCLRE1C is a missense variant predicted to cause substitution of threonine to isoleucine at amino acid 65. This variant is rare in the general population with a frequency below the threshold expected for the associated phenotype(s). This variant has been observed in one or more individuals affected with the associated recessive disease, as either homozygous or compound heterozygous with a second variant (PMID: 26476407). Additionally, this variant has been observed to segregate in affected family members (PMID: 26476407, 30947362). Computational prediction algorithms indicate this variant is likely to affect gene or protein function. Given the available evidence, this variant is classified as Pathogenic.

Labcorp Genetics (formerly Invitae), Labcorp
Classification: Pathogenic for Athabaskan severe combined immunodeficiency. Last evaluated: 2023-09-03. Review status: criteria provided, single submitter. Criteria: Invitae Variant Classification Sherloc (09022015). Collection method: clinical testing. Allele origin: germline. Not counted in ClinVar's aggregate classification.
Comment: This sequence change replaces threonine, which is neutral and polar, with isoleucine, which is neutral and non-polar, at codon 65 of the DCLRE1C protein (p.Thr65Ile). This variant is not present in population databases (gnomAD no frequency). This missense change has been observed in individual(s) with clinical features of severe combined immunodeficiency (PMID: 25917813, 26476407, 27577878). It has also been observed to segregate with disease in related individuals. ClinVar contains an entry for this variant (Variation ID: 254217). Advanced modeling of protein sequence and biophysical properties (such as structural, functional, and spatial information, amino acid conservation, physicochemical variation, residue mobility, and thermodynamic stability) performed at Invitae indicates that this missense variant is not expected to disrupt DCLRE1C protein function. Experimental studies are conflicting or provide insufficient evidence to determine the effect of this variant on DCLRE1C function (PMID: 25917813). For these reasons, this variant has been classified as Pathogenic.

OMIM
Classification: Pathogenic for SEVERE COMBINED IMMUNODEFICIENCY WITH SENSITIVITY TO IONIZING RADIATION. Last evaluated: 2016-09-14. Review status: no assertion criteria provided. Collection method: literature only. Allele origin: germline. Not counted in ClinVar's aggregate classification.

Literature cited by the submitters: PubMed 26476407 (cited by 3 submitters); PubMed 30947362 (cited by Natera, Inc.); PubMed 25917813 (cited by Labcorp Genetics (formerly Invitae), Labcorp); PubMed 27577878 (cited by Labcorp Genetics (formerly Invitae), Labcorp).